The following is an entry in ClinVar:

ClinVar aggregate classification (germline): Uncertain significance (1 of 4 stars; one submission).

Conditions:
Hypertrophic cardiomyopathy 12. Identifiers: MedGen C2677491, MONDO:0012804, OMIM 612124.
Dilated cardiomyopathy 1M (CMD1M). Identifiers: Orphanet 154, MedGen C1843808, MONDO:0011840, OMIM 607482.

Submission:

Labcorp Genetics (formerly Invitae), Labcorp
Classification: Uncertain significance for Hypertrophic cardiomyopathy 12; Dilated cardiomyopathy 1M. Last evaluated: 2023-10-14. Review status: criteria provided, single submitter. Criteria: Invitae Variant Classification Sherloc (09022015). Collection method: clinical testing. Allele origin: germline.
Comment: This sequence change replaces leucine, which is neutral and non-polar, with valine, which is neutral and non-polar, at codon 80 of the CSRP3 protein (p.Leu80Val). This variant is not present in population databases (gnomAD no frequency). This variant has not been reported in the literature in individuals affected with CSRP3-related conditions. An algorithm developed to predict the effect of missense changes on protein structure and function (PolyPhen-2) suggests that this variant is likely to be tolerated. In summary, the available evidence is currently insufficient to determine the role of this variant in disease. Therefore, it has been classified as a Variant of Uncertain Significance.

NM_003476.5(CSRP3):c.238C>G (p.Leu80Val)

Gene: CSRP3 (cysteine and glycine rich protein 3; minus strand). Cytogenetic location: 11p15.1.
Variant type: single nucleotide variant.
Coding change: c.238C>G on transcript NM_003476.5 (MANE Select); coding-DNA position 238, C replaced by G.
Protein change: p.Leu80Val; replaces leucine 80 with valine.
Molecular consequence: missense variant. On other transcripts: intron variant (1).
Genome position (GRCh38, 1-based): chr11:19,188,179, G>C on the plus strand (C>G on the coding strand, the complement: CSRP3 is on the minus strand). VCF-style: chr11-19188179-G-C. GRCh37 (hg19) VCF-style: chr11-19209726-G-C.
Other names: c.238C>G, p.Leu80Val (NM_001127656.1); c.113-1831C>G (NM_001369404.1); short protein forms L80V.
Identifiers: ClinVar variation 2929319 (VCV002929319.3), dbSNP rs779184695, ClinGen allele CA379888200.